The following is an entry in ClinVar:

ClinVar aggregate classification (germline): Uncertain significance (1 of 4 stars; one submission).

Submission:

Ambry Genetics
Classification: Uncertain significance. Last evaluated: 2024-07-27. Review status: criteria provided, single submitter. Criteria: Ambry Variant Classification Scheme 2023. Collection method: clinical testing. Allele origin: germline.
Comment: The p.E1281A variant (also known as c.3842A>C), located in coding exon 35 of the KIF1B gene, results from an A to C substitution at nucleotide position 3842. The glutamic acid at codon 1281 is replaced by alanine, an amino acid with dissimilar properties. This amino acid position is conserved. In addition, the in silico prediction for this alteration is inconclusive. Based on the available evidence, the clinical significance of this variant remains unclear.

NM_001365951.3(KIF1B):c.3980A>C (p.Glu1327Ala)

Gene: KIF1B (kinesin family member 1B; plus strand). Cytogenetic location: 1p36.22.
Variant type: single nucleotide variant.
Coding change: c.3980A>C on transcript NM_001365951.3 (MANE Select); coding-DNA position 3980, A replaced by C.
Protein change: p.Glu1327Ala; replaces glutamic acid 1327 with alanine.
Molecular consequence: missense variant.
Genome position (GRCh38, 1-based): chr1:10,352,661, A>C. VCF-style: chr1-10352661-A-C. GRCh37 (hg19) VCF-style: chr1-10412719-A-C.
Other names: c.3980A>C, p.Glu1327Ala (NM_001365952.1); c.3842A>C, p.Glu1281Ala (NM_015074.3); short protein forms E1281A, E1327A.
Identifiers: ClinVar variation 3533950 (VCV003533950.1).